The following is an entry in ClinVar:

ClinVar aggregate classification (germline): Uncertain significance. Review status: criteria provided, multiple submitters, no conflicts (2 of 4 stars). 6 submissions from 6 submitters: Uncertain significance (4). 2 of the submissions do not count toward it. Last evaluated 2024-11-13.

Conditions:
Autosomal dominant Alport syndrome (ATS3A). Also called: Alport syndrome dominant type; Renal failure and sensorineural hearing loss; ALPORT SYNDROME 3A, AUTOSOMAL DOMINANT. Identifiers: Orphanet 63, Orphanet 88918, MedGen C5882663, MONDO:0007086, OMIM 104200.
Hematuria, benign familial, 2 (BFH2). Identifiers: MedGen C5830421, MONDO:0958186, OMIM 620320.
Alport syndrome 3b, autosomal recessive. Identifiers: MedGen C5882699, MONDO:0957811, OMIM 620536.
COL4A3-related disorder. Also called: COL4A3-Related Disorders; COL4A3-related condition.
Alport syndrome. Also called: Hemorrhagic familial nephritis; Hemorrhagic hereditary nephritis; Congenital hereditary hematuria. Identifiers: Orphanet 63, MedGen C1567741, MONDO:0018965.

Allele frequency attached by ClinVar (database versions not stated): TOPMed below 0.00001; ExAC 0.00001; gnomAD 0.00001; gnomAD exomes 0.00002 and 0.00003.
gnomAD v4.1: 20 of 1,611,798 alleles (0.0012%); highest among the groups gnomAD compares: Non-Finnish European, 0.0017%; no homozygotes.

Submissions (6):

GeneDx
Classification: Uncertain significance. Last evaluated: 2024-11-13. Review status: criteria provided, single submitter. Criteria: GeneDx Variant Classification Process June 2021. Collection method: clinical testing. Allele origin: germline. Affected: yes.
Comment: In silico analysis supports that this missense variant has a deleterious effect on protein structure/function; Has not been previously published as pathogenic or benign to our knowledge; Occurs in the triple helical domain at the Y position in the canonical Gly-X-Y repeat; although this variant may have an effect on normal protein folding and function, missense substitution at the Y position is not a common mechanism of disease

Fulgent Genetics
Classification: Uncertain significance for Autosomal dominant Alport syndrome; Hematuria, benign familial, 2; Alport syndrome 3b, autosomal recessive. Last evaluated: 2024-04-19. Review status: criteria provided, single submitter. Criteria: ACMG Guidelines, 2015. Collection method: clinical testing. Allele origin: germline.

Labcorp Genetics (formerly Invitae), Labcorp
Classification: Uncertain significance. Last evaluated: 2021-04-17. Review status: criteria provided, single submitter. Criteria: Invitae Variant Classification Sherloc (09022015). Collection method: clinical testing. Allele origin: germline.
Comment: This sequence change replaces glutamic acid with alanine at codon 69 of the COL4A3 protein (p.Glu69Ala). The glutamic acid residue is moderately conserved and there is a moderate physicochemical difference between glutamic acid and alanine. This variant is present in population databases (rs755344973, ExAC 0.002%). This variant has not been reported in the literature in individuals with COL4A3-related conditions. ClinVar contains an entry for this variant (Variation ID: 666815). Advanced modeling of protein sequence and biophysical properties (such as structural, functional, and spatial information, amino acid conservation, physicochemical variation, residue mobility, and thermodynamic stability) performed at Invitae indicates that this missense variant is not expected to disrupt COL4A3 protein function. In summary, the available evidence is currently insufficient to determine the role of this variant in disease. Therefore, it has been classified as a Variant of Uncertain Significance.

Laboratory for Molecular Medicine, Mass General Brigham Personalized Medicine
Classification: Uncertain significance. Last evaluated: 2018-11-06. Review status: criteria provided, single submitter. Criteria: LMM Criteria. Collection method: clinical testing. Allele origin: germline. Observed: 1 variant allele.
Comment: The p.Glu69Ala variant in COL4A3 has not been previously reported in individuals with Alport syndrome but has been identified in 0.005% (6/111244) of European c hromosomes by gnomAD. Computational predictio n tools and conservation analysis do not provide strong support for or against a n impact to the protein. In summary, the clinical significance of the p.Glu69Ala variant is uncertain. ACMG/AMP Criteria applied: none.

PreventionGenetics, part of Exact Sciences
Classification: Uncertain significance for COL4A3-related condition. Last evaluated: 2023-11-17. Review status: no assertion criteria provided. Collection method: clinical testing. Allele origin: germline. Not counted in ClinVar's aggregate classification.
Comment: The COL4A3 c.206A>C variant is predicted to result in the amino acid substitution p.Glu69Ala. To our knowledge, this variant has not been reported in the literature. This variant is reported in 0.0054% of alleles in individuals of European (Non-Finnish) descent in gnomAD. At this time, the clinical significance of this variant is uncertain due to the absence of conclusive functional and genetic evidence.

Natera, Inc.
Classification: Uncertain significance for Alport syndrome. Last evaluated: 2020-08-10. Review status: no assertion criteria provided. Collection method: clinical testing. Allele origin: germline. Not counted in ClinVar's aggregate classification.

NM_000091.5(COL4A3):c.206A>C (p.Glu69Ala)

Genes: MFF-DT (MFF divergent transcript; minus strand), COL4A3 (collagen type IV alpha 3 chain; plus strand). Cytogenetic location: 2q36.3.
Variant type: single nucleotide variant.
Coding change: c.206A>C on transcript NM_000091.5 (MANE Select); coding-DNA position 206, A replaced by C.
Protein change: p.Glu69Ala; replaces glutamic acid 69 with alanine.
Molecular consequence: missense variant.
Genome position (GRCh38, 1-based): chr2:227,240,204, A>C. VCF-style: chr2-227240204-A-C. GRCh37 (hg19) VCF-style: chr2-228104920-A-C.
Other names: short protein forms E69A.
Identifiers: ClinVar variation 666815 (VCV000666815.12), dbSNP rs755344973, ClinGen allele CA2145940.
Genomic context (GRCh38, chr2:227,240,204, plus strand): 5'-GGGAGAAGGGCTTTCCTGGACCCCCCGGTTCTCCTGGCCAGAAAGGATTCACAGGTCCTG[A>C]AGGCTTGCCTGGACCGCAGGGACCCAAGGTATGTCATCCTGCAAGCTTGGAAAATCCCCA-3'
Protein context (NP_000082.2, residues 59-79): SPGQKGFTGP[Glu69Ala]GLPGPQGPKG